The following is an entry in ClinVar:

ClinVar aggregate classification (germline): Uncertain significance. Review status: criteria provided, multiple submitters, no conflicts (2 of 4 stars). 2 submissions from 2 submitters: Uncertain significance (2). Last evaluated 2023-02-14.

Conditions:
Familial melanoma. Also called: Hereditary melanoma; Hereditary cutaneous melanoma. Identifiers: Orphanet 618, MedGen C1512419, MONDO:0018961.
Hereditary cancer-predisposing syndrome. Also called: Neoplastic Syndromes, Hereditary; Tumor predisposition; Hereditary Cancer Syndrome; Hereditary neoplastic syndrome. Identifiers: Orphanet 140162, MedGen C0027672, MeSH D009386, MONDO:0015356.

Submissions (2):

Labcorp Genetics (formerly Invitae), Labcorp
Classification: Uncertain significance for Familial melanoma. Last evaluated: 2023-02-14. Review status: criteria provided, single submitter. Criteria: Invitae Variant Classification Sherloc (09022015). Collection method: clinical testing. Allele origin: germline.
Comment: In summary, the available evidence is currently insufficient to determine the role of this variant in disease. Therefore, it has been classified as a Variant of Uncertain Significance. This sequence change replaces proline, which is neutral and non-polar, with threonine, which is neutral and polar, at codon 173 of the CDK4 protein (p.Pro173Thr). This variant is not present in population databases (gnomAD no frequency). This variant has not been reported in the literature in individuals affected with CDK4-related conditions. ClinVar contains an entry for this variant (Variation ID: 485497). Advanced modeling of protein sequence and biophysical properties (such as structural, functional, and spatial information, amino acid conservation, physicochemical variation, residue mobility, and thermodynamic stability) performed at Invitae indicates that this missense variant is not expected to disrupt CDK4 protein function.

Ambry Genetics
Classification: Uncertain significance for Hereditary cancer-predisposing syndrome. Last evaluated: 2017-08-16. Review status: criteria provided, single submitter. Criteria: Ambry Variant Classification Scheme 2023. Collection method: clinical testing. Allele origin: germline.
Comment: The p.P173T variant (also known as c.517C>A), located in coding exon 3 of the CDK4 gene, results from a C to A substitution at nucleotide position 517. The proline at codon 173 is replaced by threonine, an amino acid with highly similar properties. This amino acid position is highly conserved in available vertebrate species. In addition, the in silico prediction for this alteration is inconclusive. Since supporting evidence is limited at this time, the clinical significance of this alteration remains unclear.

NM_000075.4(CDK4):c.517C>A (p.Pro173Thr)

Gene: CDK4 (cyclin dependent kinase 4; minus strand). Cytogenetic location: 12q14.1.
Variant type: single nucleotide variant.
Coding change: c.517C>A on transcript NM_000075.4 (MANE Select); coding-DNA position 517, C replaced by A.
Protein change: p.Pro173Thr; replaces proline 173 with threonine.
Molecular consequence: missense variant.
Genome position (GRCh38, 1-based): chr12:57,750,928, G>T on the plus strand (C>A on the coding strand, the complement: CDK4 is on the minus strand). VCF-style: chr12-57750928-G-T. GRCh37 (hg19) VCF-style: chr12-58144711-G-T.
Other names: short protein forms P173T.
Identifiers: ClinVar variation 485497 (VCV000485497.8), dbSNP rs768904034, ClinGen allele CA385546103.
Genomic context (GRCh38, chr12:57,750,928, plus strand): 5'-CAATCACTCTCCTACTCCCAACCAGAACCCATTTTGGTACCATCTTTCTACTGACCACGG[G>T]TGTAAGTGCCATCTGGTAGCTGTAGATTCTGGCCAGGCCAAAGTCAGCCAGCTTGACTGT-3'
Protein context (NP_000066.1, residues 163-183): RIYSYQMALT[Pro173Thr]VVVTLWYRAP